The following is an entry in ClinVar:

ClinVar aggregate classification (germline): Conflicting classifications of pathogenicity. Review status: criteria provided, conflicting classifications (1 of 4 stars). 7 submissions from 7 submitters: Uncertain significance (1); Likely benign (5). 1 of the submissions does not count toward it. Last evaluated 2026-01-24.

Conditions:
Cardiovascular phenotype. Identifiers: MedGen CN230736.
ZNF469-related disorder. Also called: ZNF469-related condition.
Ehlers-Danlos syndrome (EDS). Identifiers: Orphanet 98249, MedGen C0013720, MONDO:0020066.

Allele frequency attached by ClinVar (database versions not stated): gnomAD 0.00009 and 0.00013; TOPMed 0.00013; 1000 Genomes Project 0.00020; gnomAD exomes 0.00028 and 0.00055; 1000 Genomes Project 30x 0.00031; ExAC 0.00155.
gnomAD v4.1: 398 of 1,533,180 alleles (0.026%); highest among the groups gnomAD compares: South Asian, 0.29%; 1 homozygote.

Submissions (7):

Labcorp Genetics (formerly Invitae), Labcorp
Classification: Likely benign. Last evaluated: 2026-01-24. Review status: criteria provided, single submitter. Criteria: Invitae Variant Classification Sherloc (09022015). Collection method: clinical testing. Allele origin: germline.

Blueprint Genetics
Classification: Likely benign. Last evaluated: 2024-10-28. Review status: criteria provided, single submitter. Criteria: ACMG Guidelines, 2015. Collection method: clinical testing. Allele origin: germline.

CeGaT Center for Human Genetics Tuebingen
Classification: Likely benign. Last evaluated: 2024-07-01. Review status: criteria provided, single submitter. Criteria: CeGaT Center For Human Genetics Tuebingen Variant Classification Criteria Version 2. Collection method: clinical testing. Allele origin: germline. Affected: yes. Observed: 1 variant allele.
Comment: ZNF469: BP4, BP7

Genome Diagnostics Laboratory, The Hospital for Sick Children
Classification: Uncertain significance for Ehlers-Danlos syndrome. Last evaluated: 2022-01-17. Review status: criteria provided, single submitter. Criteria: ACMG Guidelines, 2015. Collection method: clinical testing. Allele origin: germline.

Ambry Genetics
Classification: Likely benign for Cardiovascular phenotype. Last evaluated: 2020-01-27. Review status: criteria provided, single submitter. Criteria: Ambry Variant Classification Scheme 2023. Collection method: clinical testing. Allele origin: germline.

GeneDx
Classification: Likely benign. Last evaluated: 2019-10-29. Review status: criteria provided, single submitter. Criteria: GeneDx Variant Classification Process June 2021. Collection method: clinical testing. Allele origin: germline. Affected: yes.

PreventionGenetics, part of Exact Sciences
Classification: Likely benign for ZNF469-related condition. Last evaluated: 2019-08-15. Review status: no assertion criteria provided. Collection method: clinical testing. Allele origin: germline. Not counted in ClinVar's aggregate classification.
Comment: This variant is classified as likely benign based on ACMG/AMP sequence variant interpretation guidelines (Richards et al. 2015 PMID: 25741868, with internal and published modifications).

NM_001367624.2(ZNF469):c.9921G>A (p.Thr3307=)

Gene: ZNF469 (zinc finger protein 469; plus strand). Cytogenetic location: 16q24.2.
Variant type: single nucleotide variant.
Coding change: c.9921G>A on transcript NM_001367624.2 (MANE Select); coding-DNA position 9921, G replaced by A.
Protein change: p.Thr3307=; no amino-acid change (threonine 3307 retained).
Molecular consequence: synonymous variant.
Genome position (GRCh38, 1-based): chr16:88,437,391, G>A. VCF-style: chr16-88437391-G-A. GRCh37 (hg19) VCF-style: chr16-88503799-G-A.
Other names: NM_001127464.1:c.9837G>A; NM_001127464.2:c.9837G>A.
Identifiers: ClinVar variation 321011 (VCV000321011.37), dbSNP rs533072680, ClinGen allele CA8225465.